The following is an entry in ClinVar:

NM_001382567.1(STIM1):c.2021G>A (p.Arg674His)

Genes: STIM1 (stromal interaction molecule 1; plus strand), LOC124418421 (Sharpr-MPRA regulatory region 9588; plus strand). Cytogenetic location: 11p15.4.
Variant type: single nucleotide variant.
Coding change: c.2021G>A on transcript NM_001382567.1 (MANE Select); coding-DNA position 2021, G replaced by A.
Protein change: p.Arg674His; replaces arginine 674 with histidine.
Molecular consequence: missense variant. On other transcripts: 3 prime UTR variant (4), non-coding transcript variant (3).
Genome position (GRCh38, 1-based): chr11:4,091,668, G>A. VCF-style: chr11-4091668-G-A. GRCh37 (hg19) VCF-style: chr11-4112898-G-A.
Other names: p.Arg643His; c.2246G>A, p.Arg749His (NM_001277961.3); c.*342G>A (NM_001277962.2, NM_001382578.1, NM_001382579.1 and 1 more transcripts); c.2024G>A, p.Arg675His (NM_001382566.1); c.1949G>A, p.Arg650His (NM_001382568.1); c.1793G>A, p.Arg598His (NM_001382569.1); c.1700G>A, p.Arg567His (NM_001382570.1); c.1448G>A, p.Arg483His (NM_001382571.1); and 3 more; short protein forms R643H, R749H, R480H, R483H, R567H, R569H, R598H, R650H.
Identifiers: ClinVar variation 258976 (VCV000258976.29), dbSNP rs140080199, ClinGen allele CA5830652.

ClinVar aggregate classification (germline): Conflicting classifications of pathogenicity. Review status: criteria provided, conflicting classifications (1 of 4 stars). 7 submissions from 7 submitters: Uncertain significance (2); Benign (1); Likely benign (4). Last evaluated 2026-04-01.

Conditions:
Combined immunodeficiency due to STIM1 deficiency. Also called: STIM1 DEFICIENCY; IMMUNODEFICIENCY 10. Identifiers: Orphanet 169090, Orphanet 317430, MedGen C2748557, MONDO:0013008, OMIM 612783.
Stormorken syndrome (STRMK). Also called: THROMBOCYTOPATHY, ASPLENIA, AND MIOSIS. Identifiers: Orphanet 3204, MedGen C1861451, MONDO:0008497, OMIM 185070.
Myopathy with tubular aggregates (TAM). Also called: Tubular Aggregate Myopathy. Identifiers: Orphanet 2593, MedGen C0410207, MONDO:0008051.

Allele frequency attached by ClinVar (database versions not stated): TOPMed 0.00037; gnomAD 0.00044 and 0.00048; ESP Exome Variant Server 0.00054; gnomAD exomes 0.00074 and 0.00078; 1000 Genomes Project 30x 0.00094; ExAC 0.00097; 1000 Genomes Project 0.00100.
gnomAD v4.1: 1,158 of 1,614,202 alleles (0.072%); highest among the groups gnomAD compares: South Asian, 0.25%; 5 homozygotes.

Submissions (7):

CeGaT Center for Human Genetics Tuebingen
Classification: Likely benign. Last evaluated: 2026-04-01. Review status: criteria provided, single submitter. Criteria: CeGaT Center For Human Genetics Tuebingen Variant Classification Criteria Version 2. Collection method: clinical testing. Allele origin: germline. Affected: yes. Observed: 2 variant alleles.
Comment: STIM1: BS2

Labcorp Genetics (formerly Invitae), Labcorp
Classification: Likely benign for Myopathy with tubular aggregates; Combined immunodeficiency due to STIM1 deficiency; Stormorken syndrome. Last evaluated: 2026-02-02. Review status: criteria provided, single submitter. Criteria: Invitae Variant Classification Sherloc (09022015). Collection method: clinical testing. Allele origin: germline.

Women's Health and Genetics/Laboratory Corporation of America, LabCorp
Classification: Likely benign. Last evaluated: 2025-12-30. Review status: criteria provided, single submitter. Criteria: LabCorp Variant Classification Summary - May 2015. Collection method: clinical testing. Allele origin: germline.
Comment: Variant summary: STIM1 c.1928G>A (p.Arg643His) results in a non-conservative amino acid change in the encoded protein sequence. Algorithms developed to predict the effect of missense changes on protein structure and function all suggest that this variant is likely to be disruptive. The variant allele was found at a frequency of 0.00078 in 251454 control chromosomes, predominantly at a frequency of 0.0025 within the South Asian subpopulation in the gnomAD database. The observed variant frequency within South Asian control individuals in the gnomAD database exceeds the estimated maximal expected allele frequency for disease-causing variants in STIM1. c.1928G>A has been observed in individuals affected with immunodeficiency or myopathy (e.g. Sogkas_2021, Ticci_2021, Similuk_2022). These reports do not provide unequivocal conclusions about association of the variant with STIM1-Related Disorders. At least one publication reports experimental evidence evaluating an impact on protein function, however, does not allow convincing conclusions about the variant effect (Ticci_2021). The following publications have been ascertained in the context of this evaluation (PMID: 33046446, 34368974, 35753512). ClinVar contains an entry for this variant (Variation ID: 258976). Based on the evidence outlined above, the variant was classified as likely benign.

Mayo Clinic Laboratories, Mayo Clinic
Classification: Benign. Last evaluated: 2025-10-08. Review status: criteria provided, single submitter. Criteria: ACMG Guidelines, 2015. Collection method: clinical testing. Allele origin: germline. Observed: 2 variant alleles.
Comment: BS1, BS2

Blueprint Genetics
Classification: Uncertain significance. Last evaluated: 2024-11-22. Review status: criteria provided, single submitter. Criteria: ACMG Guidelines, 2015. Collection method: clinical testing. Allele origin: germline.

Genomic Research Center, Shahid Beheshti University of Medical Sciences
Classification: Uncertain significance. Last evaluated: 2018-08-07. Review status: criteria provided, single submitter. Criteria: ACMG Guidelines, 2015. Collection method: clinical testing. Allele origin: inherited. Affected: yes. Observed: 1 variant allele.

PreventionGenetics, part of Exact Sciences
Classification: Likely benign. Review status: criteria provided, single submitter. Criteria: ACMG Guidelines, 2015. Collection method: clinical testing. Allele origin: germline.

Literature cited by the submitters: PubMed 35753512 (cited by Women's Health and Genetics/Laboratory Corporation of America, LabCorp); PubMed 33046446 (cited by Women's Health and Genetics/Laboratory Corporation of America, LabCorp); PubMed 34368974 (cited by Women's Health and Genetics/Laboratory Corporation of America, LabCorp).